The following is an entry in ClinVar:

NM_032802.4(SPPL2A):c.245G>A (p.Gly82Asp)

Gene: SPPL2A (signal peptide peptidase like 2A; minus strand). Cytogenetic location: 15q21.2.
Variant type: single nucleotide variant.
Coding change: c.245G>A on transcript NM_032802.4 (MANE Select); coding-DNA position 245, G replaced by A.
Protein change: p.Gly82Asp; replaces glycine 82 with aspartic acid.
Molecular consequence: missense variant.
Genome position (GRCh38, 1-based): chr15:50,748,803, C>T on the plus strand (G>A on the coding strand, the complement: SPPL2A is on the minus strand). VCF-style: chr15-50748803-C-T. GRCh37 (hg19) VCF-style: chr15-51041000-C-T.
Other names: c.245G>A (NM_032802.3); short protein forms G82D.
Identifiers: ClinVar variation 1501669 (VCV001501669.9), dbSNP rs541921592, ClinGen allele CA7558540.

ClinVar aggregate classification (germline): Uncertain significance. Review status: criteria provided, multiple submitters, no conflicts (2 of 4 stars). 2 submissions from 2 submitters: Uncertain significance (2). Last evaluated 2025-10-13.

Allele frequency attached by ClinVar (database versions not stated): TOPMed below 0.00001; gnomAD 0.00001 and 0.00004; ExAC 0.00013; 1000 Genomes Project 30x 0.00031; 1000 Genomes Project 0.00040.

Submissions (2):

Labcorp Genetics (formerly Invitae), Labcorp
Classification: Uncertain significance. Last evaluated: 2025-10-13. Review status: criteria provided, single submitter. Criteria: Invitae Variant Classification Sherloc (09022015). Collection method: clinical testing. Allele origin: germline.
Comment: This sequence change replaces glycine, which is neutral and non-polar, with aspartic acid, which is acidic and polar, at codon 82 of the SPPL2A protein (p.Gly82Asp). This variant is present in population databases (rs541921592, gnomAD 0.09%), and has an allele count higher than expected for a pathogenic variant. This variant has not been reported in the literature in individuals affected with SPPL2A-related conditions. ClinVar contains an entry for this variant (Variation ID: 1501669). An algorithm developed to predict the effect of missense changes on protein structure and function (PolyPhen-2) suggests that this variant is likely to be disruptive. In summary, the available evidence is currently insufficient to determine the role of this variant in disease. Therefore, it has been classified as a Variant of Uncertain Significance.

Ambry Genetics
Classification: Uncertain significance. Last evaluated: 2025-08-02. Review status: criteria provided, single submitter. Criteria: Ambry Variant Classification Scheme 2023. Collection method: clinical testing. Allele origin: germline.